The following is an entry in ClinVar:

NM_014363.6(SACS):c.2148C>T (p.His716=)

Gene: SACS (sacsin molecular chaperone; minus strand). Cytogenetic location: 13q12.12.
Variant type: single nucleotide variant.
Coding change: c.2148C>T on transcript NM_014363.6 (MANE Select); coding-DNA position 2148, C replaced by T.
Protein change: p.His716=; no amino-acid change (histidine 716 retained).
Molecular consequence: synonymous variant.
Genome position (GRCh38, 1-based): chr13:23,353,822, G>A on the plus strand (C>T on the coding strand, the complement: SACS is on the minus strand). VCF-style: chr13-23353822-G-A. GRCh37 (hg19) VCF-style: chr13-23927961-G-A.
Other names: c.2148C>T (NM_014363.4); c.1707C>T, p.His569= (NM_001278055.2).
Identifiers: ClinVar variation 736892 (VCV000736892.13), dbSNP rs780789330, ClinGen allele CA6911761.

ClinVar aggregate classification (germline): Conflicting classifications of pathogenicity. Review status: criteria provided, conflicting classifications (1 of 4 stars). 3 submissions from 3 submitters: Uncertain significance (1); Likely benign (2). Last evaluated 2025-01-16.

Conditions:
Spastic paraplegia. Identifiers: MedGen C0037772, HP:0001258.
Hereditary spastic paraplegia. Also called: Familial spastic paraparesis. Identifiers: Orphanet 685, MedGen C0037773, MONDO:0019064. Disease mechanism: loss of function.

Allele frequency attached by ClinVar (database versions not stated): gnomAD 0.00001 and 0.00002; TOPMed 0.00001; ExAC 0.00002; gnomAD exomes 0.00002.
gnomAD v4.1: 25 of 1,611,162 alleles (0.0016%); highest among the groups gnomAD compares: South Asian, 0.0099%; no homozygotes.

Submissions (3):

Athena Diagnostics
Classification: Likely benign. Last evaluated: 2025-01-16. Review status: criteria provided, single submitter. Criteria: Athena Diagnostics Criteria. Collection method: clinical testing. Allele origin: unknown.
Comment: Computational tools yielded predictions that this variant is unlikely to have an effect on normal RNA splicing. This nucleotide position exhibits low evolutionary conservation.

Labcorp Genetics (formerly Invitae), Labcorp
Classification: Likely benign for Spastic paraplegia. Last evaluated: 2024-02-22. Review status: criteria provided, single submitter. Criteria: Invitae Variant Classification Sherloc (09022015). Collection method: clinical testing. Allele origin: germline.

Genome Diagnostics Laboratory, The Hospital for Sick Children
Classification: Uncertain significance for Hereditary spastic paraplegia. Last evaluated: 2018-12-01. Review status: criteria provided, single submitter. Criteria: ACMG Guidelines, 2015. Collection method: clinical testing. Allele origin: germline. Affected: yes.